The following is an entry in ClinVar:

ClinVar aggregate classification (germline): Uncertain significance (1 of 4 stars; one submission).

Conditions:
Inborn genetic diseases. Identifiers: MedGen C0950123, MeSH D030342.

gnomAD v4.1: 2 of 1,612,166 alleles (0.00012%); highest among the groups gnomAD compares: Non-Finnish European, 0.00017%; no homozygotes.

Submission:

Ambry Genetics
Classification: Uncertain significance for Inborn genetic diseases. Last evaluated: 2025-09-10. Review status: criteria provided, single submitter. Criteria: Ambry Variant Classification Scheme 2023. Collection method: clinical testing. Allele origin: germline.
Comment: The p.I969M variant (also known as c.2907C>G), located in coding exon 29 of the RTEL1 gene, results from a C to G substitution at nucleotide position 2907. The isoleucine at codon 969 is replaced by methionine, an amino acid with highly similar properties. This amino acid position is conserved. In addition, this alteration is predicted to be tolerated by in silico analysis. Based on the available evidence, the clinical significance of this variant remains unclear.

NM_001283009.2(RTEL1):c.2907C>G (p.Ile969Met)

Genes: RTEL1 (regulator of telomere elongation helicase 1; plus strand), RTEL1-TNFRSF6B (RTEL1-TNFRSF6B readthrough (NMD candidate); plus strand). Cytogenetic location: 20q13.33.
Variant type: single nucleotide variant.
Coding change: c.2907C>G on transcript NM_001283009.2 (MANE Select); coding-DNA position 2907, C replaced by G.
Protein change: p.Ile969Met; replaces isoleucine 969 with methionine.
Molecular consequence: missense variant. On other transcripts: non-coding transcript variant (1).
Genome position (GRCh38, 1-based): chr20:63,693,198, C>G. VCF-style: chr20-63693198-C-G. GRCh37 (hg19) VCF-style: chr20-62324551-C-G.
Other names: c.2238C>G, p.Ile746Met (NM_001283010.1); c.2907C>G, p.Ile969Met (NM_016434.4); c.2979C>G, p.Ile993Met (NM_032957.5); short protein forms I746M, I969M, I993M.
Identifiers: ClinVar variation 4157734 (VCV004157734.1).